The following is an entry in ClinVar:

ClinVar aggregate classification (germline): Uncertain significance (1 of 4 stars; one submission).

Submission:

Labcorp Genetics (formerly Invitae), Labcorp
Classification: Uncertain significance. Last evaluated: 2023-10-14. Review status: criteria provided, single submitter. Criteria: Invitae Variant Classification Sherloc (09022015). Collection method: clinical testing. Allele origin: germline.
Comment: This sequence change replaces arginine, which is basic and polar, with cysteine, which is neutral and slightly polar, at codon 530 of the DEAF1 protein (p.Arg530Cys). Information on the frequency of this variant in the gnomAD database is not available, as this variant may be reported differently in the database. This variant has not been reported in the literature in individuals affected with DEAF1-related conditions. ClinVar contains an entry for this variant (Variation ID: 1386361). Experimental studies and prediction algorithms are not available or were not evaluated, and the functional significance of this variant is currently unknown. In summary, the available evidence is currently insufficient to determine the role of this variant in disease. Therefore, it has been classified as a Variant of Uncertain Significance.

NM_021008.4(DEAF1):c.1587_1588inv (p.Arg530Cys)

Gene: DEAF1 (DEAF1 transcription factor; minus strand). Cytogenetic location: 11p15.5.
Variant type: Inversion.
Coding change: c.1587_1588inv on transcript NM_021008.4 (MANE Select).
Protein change: p.Arg530Cys; replaces arginine 530 with cysteine.
Molecular consequence: missense variant.
Genome position: GRCh38 VCF-style: chr11-653967-GT-AC. GRCh37 (hg19) VCF-style: chr11-653967-GT-AC.
Other names: c.1362_1363invAC, p.Arg455Cys (NM_001293634.2); c.861_862inv, p.Arg288Cys (NM_001367390.1); short protein forms R530C, R455C, R288C.
Identifiers: ClinVar variation 1386361 (VCV001386361.5), ClinGen allele CA2573147206.